The following is an entry in ClinVar:

NM_002972.4(SBF1):c.4369-3C>T

Gene: SBF1 (SET binding factor 1; minus strand). Cytogenetic location: 22q13.33.
Variant type: single nucleotide variant.
Coding change: c.4369-3C>T on transcript NM_002972.4 (MANE Select); 3 bases into the intron before coding-DNA position 4369, C replaced by T.
Molecular consequence: intron variant.
Genome position (GRCh38, 1-based): chr22:50,455,412, G>A on the plus strand (C>T on the coding strand, the complement: SBF1 is on the minus strand). VCF-style: chr22-50455412-G-A. GRCh37 (hg19) VCF-style: chr22-50893841-G-A.
Other names: c.4294-3C>T (NM_001365819.1).
Identifiers: ClinVar variation 1404960 (VCV001404960.6), dbSNP rs1219551945, ClinGen allele CA640356120.

ClinVar aggregate classification (germline): Uncertain significance (1 of 4 stars; one submission).

Allele frequency attached by ClinVar (database versions not stated): gnomAD exomes below 0.00001.

Submission:

Labcorp Genetics (formerly Invitae), Labcorp
Classification: Uncertain significance. Last evaluated: 2021-05-30. Review status: criteria provided, single submitter. Criteria: Invitae Variant Classification Sherloc (09022015). Collection method: clinical testing. Allele origin: germline.
Comment: In summary, the available evidence is currently insufficient to determine the role of this variant in disease. Therefore, it has been classified as a Variant of Uncertain Significance. Nucleotide substitutions within the consensus splice site are a relatively common cause of aberrant splicing (PMID: 17576681, 9536098). Algorithms developed to predict the effect of sequence changes on RNA splicing suggest that this variant may disrupt the consensus splice site, but this prediction has not been confirmed by published transcriptional studies. This variant has not been reported in the literature in individuals with SBF1-related conditions. This variant is not present in population databases (ExAC no frequency). This sequence change falls in intron 32 of the SBF1 gene. It does not directly change the encoded amino acid sequence of the SBF1 protein. It affects a nucleotide within the consensus splice site of the intron.

Literature cited by the submitters: PubMed 17576681; PubMed 9536098.